The following is an entry in ClinVar:

ClinVar aggregate classification (germline): Likely benign (1 of 4 stars; one submission).

Allele frequency attached by ClinVar (database versions not stated): TOPMed 0.00006; gnomAD 0.00009; gnomAD exomes 0.00020; 1000 Genomes Project 30x 0.00047; 1000 Genomes Project 0.00060.

Submission:

CeGaT Center for Human Genetics Tuebingen
Classification: Likely benign. Last evaluated: 2023-02-01. Review status: criteria provided, single submitter. Criteria: CeGaT Center For Human Genetics Tuebingen Variant Classification Criteria Version 2. Collection method: clinical testing. Allele origin: germline. Affected: yes. Observed: 1 variant allele.
Comment: KIF18B: BP4, BP7

NM_001265577.2(KIF18B):c.1767T>C (p.Thr589=)

Gene: KIF18B (kinesin family member 18B; minus strand). Cytogenetic location: 17q21.31.
Variant type: single nucleotide variant.
Coding change: c.1767T>C on transcript NM_001265577.2 (MANE Select); coding-DNA position 1767, T replaced by C.
Protein change: p.Thr589=; no amino-acid change (threonine 589 retained).
Molecular consequence: synonymous variant.
Genome position (GRCh38, 1-based): chr17:44,928,535, A>G on the plus strand (T>C on the coding strand, the complement: KIF18B is on the minus strand). VCF-style: chr17-44928535-A-G. GRCh37 (hg19) VCF-style: chr17-43005903-A-G.
Other names: c.1803T>C, p.Thr601= (NM_001264573.2).
Identifiers: ClinVar variation 2647844 (VCV002647844.24), dbSNP rs369863717, ClinGen allele CA8609358.
Genomic context (GRCh38, chr17:44,928,535, plus strand): 5'-GATTCCCAGGGTGTGCAGGGGGCCACTCAGTCGCCTCGCCATAGTCCGGGTCACAGGGCC[A>G]GTGTATCCTGGAGGCTCTGGGCAGAGAGGAGACGGCACAGGGACTGCACAGAAGGAAGGA-3'
Protein context (NP_001252506.1, residues 579-599): SPLCPEPPGY[Thr589=]GPVTRTMARR